The following is an entry in ClinVar:

ClinVar aggregate classification (germline): Uncertain significance (1 of 4 stars; one submission).

Submission:

Labcorp Genetics (formerly Invitae), Labcorp
Classification: Uncertain significance. Last evaluated: 2022-08-27. Review status: criteria provided, single submitter. Criteria: Invitae Variant Classification Sherloc (09022015). Collection method: clinical testing. Allele origin: germline.
Comment: This variant, c.339_341dup, results in the insertion of 1 amino acid(s) of the CPLX1 protein (p.Asp113dup), but otherwise preserves the integrity of the reading frame. In summary, the available evidence is currently insufficient to determine the role of this variant in disease. Therefore, it has been classified as a Variant of Uncertain Significance. This variant has not been reported in the literature in individuals affected with CPLX1-related conditions. This variant is present in population databases (rs746146625, gnomAD 0.002%).

NM_006651.4(CPLX1):c.339_341dup (p.Asp113_Glu114insAsp)

Gene: CPLX1 (complexin 1; minus strand). Cytogenetic location: 4p16.3.
Variant type: Duplication.
Coding change: c.339_341dup on transcript NM_006651.4 (MANE Select); coding-DNA positions 339 to 341, 3 bases duplicated (CGA; older notation c.339_341dupCGA).
Protein change: p.Asp113_Glu114insAsp.
Molecular consequence: inframe insertion.
Genome position (GRCh38, 1-based): chr4:786,565-786,567, TCG duplicated on the plus strand (CGA on the coding strand, the reverse complement: CPLX1 is on the minus strand); duplicating any 3 consecutive bases within chr4:786,565-786,569 gives the same sequence; the c. name uses the placement nearest the transcript's 3' end. VCF-style (leftmost placement, unchanged base first): chr4-786564-C-CTCG. GRCh37 (hg19) VCF-style: chr4-780352-C-CTCG.
Identifiers: ClinVar variation 1908164 (VCV001908164.3), dbSNP rs746146625, ClinGen allele CA2796899.